The following is an entry in ClinVar:

ClinVar aggregate classification (germline): Uncertain significance. Review status: reviewed by expert panel (3 of 4 stars). 2 submissions from 2 submitters: Uncertain significance (1). 1 of the submissions does not count toward it. Last evaluated 2025-01-15.

Conditions:
Hereditary thrombocytopenia and hematologic cancer predisposition syndrome. Identifiers: Orphanet 71290, MedGen CN281654, MONDO:0011071.
Hereditary thrombocytopenia and hematological cancer predisposition syndrome associated with RUNX1. Also called: Familial Platelet Disorder with Propensity to Acute Myelogenous Leukemia; Familial thrombocytopenia with propensity to acute myelogenous leukemia; PLATELET DISORDER, ASPIRIN-LIKE; RUNX1 Familial Platelet Disorder with Associated Myeloid Malignancies. Identifiers: Orphanet 71290, MedGen C1832388, MeSH C563324, MONDO:0100083, OMIM 601399.

Submissions (2):

ClinGen Myeloid Malignancy Variant Curation Expert Panel
Classification: Uncertain significance for Hereditary thrombocytopenia and hematologic cancer predisposition syndrome. Last evaluated: 2025-01-15. Review status: reviewed by expert panel. Criteria: ClinGen MyeloMalig ACMG Specifications v2. Collection method: curation. Allele origin: germline. Inheritance: Autosomal dominant inheritance.
Comment: NM_001754.5(RUNX1):c.805+1_805+2dup is a splice-site variant which is predicted to cause a donor loss at the c.805 donor site (SpliceAI donor loss = 0.96) (PVS1_strong). This variant is completely absent from all population databases with at least 20x coverage for RUNX1 (PM2_Supporting). In summary, the clinical significance of this variant is uncertain. ACMG/AMP criteria applied, as specified by the Myeloid Malignancy Variant Curation Expert Panel for RUNX1: PVS1_strong, PM2_supporting.

Labcorp Genetics (formerly Invitae), Labcorp
Classification: Uncertain significance for Hereditary thrombocytopenia and hematological cancer predisposition syndrome associated with RUNX1. Last evaluated: 2023-12-05. Review status: criteria provided, single submitter. Criteria: Invitae Variant Classification Sherloc (09022015). Collection method: clinical testing. Allele origin: germline. Not counted in ClinVar's aggregate classification.
Comment: This sequence change falls in intron 7 of the RUNX1 gene. It does not directly change the encoded amino acid sequence of the RUNX1 protein. It affects a nucleotide within the consensus splice site. This variant is not present in population databases (gnomAD no frequency). This variant has not been reported in the literature in individuals affected with RUNX1-related conditions. Variants that disrupt the consensus splice site are a relatively common cause of aberrant splicing (PMID: 17576681, 9536098). Algorithms developed to predict the effect of sequence changes on RNA splicing suggest that this variant may disrupt the consensus splice site. In summary, the available evidence is currently insufficient to determine the role of this variant in disease. Therefore, it has been classified as a Variant of Uncertain Significance.

Literature cited by the submitters: PubMed 17576681 (cited by Labcorp Genetics (formerly Invitae), Labcorp); PubMed 9536098 (cited by Labcorp Genetics (formerly Invitae), Labcorp).

NM_001754.5(RUNX1):c.805+1_805+2dup

Gene: RUNX1 (RUNX family transcription factor 1; minus strand). Cytogenetic location: 21q22.12.
Variant type: Duplication.
Coding change: c.805+1_805+2dup on transcript NM_001754.5 (MANE Select); the canonical splice donor site of the intron after coding-DNA position 805, 2 bases duplicated (GT; older notation c.805+1_805+2dupGT).
Molecular consequence: splice donor variant.
Genome position (GRCh38, 1-based): chr21:34,834,408-34,834,409, AC duplicated on the plus strand (GT on the coding strand, the reverse complement: RUNX1 is on the minus strand). VCF-style (leftmost placement, unchanged base first): chr21-34834407-T-TAC. GRCh37 (hg19) VCF-style: chr21-36206704-T-TAC.
Other names: c.724+1_724+2dup (NM_001001890.3, NM_001122607.2).
Identifiers: ClinVar variation 2767710 (VCV002767710.5), dbSNP rs2517037495, ClinGen allele CA2697547492.